The following is an entry in ClinVar:

NM_006297.3(XRCC1):c.1254C>T (p.Ser418=)

Gene: XRCC1 (X-ray repair cross complementing 1; minus strand). Cytogenetic location: 19q13.31.
Variant type: single nucleotide variant.
Coding change: c.1254C>T on transcript NM_006297.3 (MANE Select); coding-DNA position 1254, C replaced by T.
Protein change: p.Ser418=; no amino-acid change (serine 418 retained).
Molecular consequence: synonymous variant.
Genome position (GRCh38, 1-based): chr19:43,546,923, G>A on the plus strand (C>T on the coding strand, the complement: XRCC1 is on the minus strand). VCF-style: chr19-43546923-G-A. GRCh37 (hg19) VCF-style: chr19-44051075-G-A.
Identifiers: ClinVar variation 4820797 (VCV004820797.4).

ClinVar aggregate classification (germline): Likely benign (1 of 4 stars; one submission).

gnomAD v4.1: 508 of 1,613,958 alleles (0.031%); highest among the groups gnomAD compares: East Asian, 0.87%; 3 homozygotes.

Submission:

CeGaT Center for Human Genetics Tuebingen
Classification: Likely benign. Last evaluated: 2025-12-01. Review status: criteria provided, single submitter. Criteria: CeGaT Center For Human Genetics Tuebingen Variant Classification Criteria Version 2. Collection method: clinical testing. Allele origin: germline. Affected: yes. Observed: 1 variant allele.
Comment: XRCC1: BP4, BP7